The following is an entry in ClinVar:

ClinVar aggregate classification (germline): Pathogenic/Likely pathogenic. Review status: criteria provided, multiple submitters, no conflicts (2 of 4 stars). 10 submissions from 9 submitters: Pathogenic (5); Likely pathogenic (4). 1 of the submissions does not count toward it. Last evaluated 2025-06-04.

Conditions:
USH2A-related disorder. Also called: USH2A-related condition; USH2A-related disorders. Identifiers: MedGen CN239332.
Rare genetic deafness. Identifiers: Orphanet 96210, MedGen C5680250.
Usher syndrome type 2A. Also called: RETINAL DISEASE IN USHER SYNDROME TYPE IIA, MODIFIER OF; USHER SYNDROME, TYPE IIA. Identifiers: Orphanet 231178, Orphanet 886, MedGen C1848634, MONDO:0010169, OMIM 276901.
Retinitis pigmentosa 39 (RP39). Identifiers: Orphanet 791, MedGen C3151138, MONDO:0013436, OMIM 613809.

Allele frequency attached by ClinVar (database versions not stated): gnomAD exomes below 0.00001.
gnomAD v4.1: 1 of 1,613,790 alleles (0.000062%); highest among the groups gnomAD compares: East Asian, 0.0022%; no homozygotes.

Submissions (10):

Myriad Genetics, Inc.
Classification: Pathogenic for USH2A-related disorder. Last evaluated: 2025-06-04. Review status: criteria provided, single submitter. Criteria: Myriad Autosomal Dominant, Autosomal Recessive and X-Linked Classification Criteria (2023). Collection method: clinical testing. Allele origin: unknown.
Comment: NM_206933.2(USH2A):c.5858-1G>A is a variant in a canonical splice site classified as pathogenic in the context of USH2A-related disorders. c.5858-1G>A has been observed in cases with relevant disease (PMID: 25649381, 30948794, 31106028). Relevant functional assessments of this variant are not available in the literature. c.5858-1G>A has been observed in referenced population frequency databases. In summary, NM_206933.2(USH2A):c.5858-1G>A is a variant in a canonical splice site that has been observed more frequently in cases with the relevant disease than in healthy populations. Please note: this variant was assessed in the context of healthy population screening.

Labcorp Genetics (formerly Invitae), Labcorp
Classification: Pathogenic. Last evaluated: 2025-03-17. Review status: criteria provided, single submitter. Criteria: Invitae Variant Classification Sherloc (09022015). Collection method: clinical testing. Allele origin: germline.
Comment: This sequence change affects an acceptor splice site in intron 29 of the USH2A gene. It is expected to disrupt RNA splicing. Variants that disrupt the donor or acceptor splice site typically lead to a loss of protein function (PMID: 16199547), and loss-of-function variants in USH2A are known to be pathogenic (PMID: 10729113, 10909849, 20507924, 25649381). This variant is present in population databases (rs397518023, gnomAD 0.006%). Disruption of this splice site has been observed in individual(s) with autosomal recessive USH2A-related conditions (PMID: 25649381, 30948794; internal data). In at least one individual the data is consistent with being in trans (on the opposite chromosome) from a pathogenic variant. ClinVar contains an entry for this variant (Variation ID: 48545). Algorithms developed to predict the effect of sequence changes on RNA splicing suggest that this variant may disrupt the consensus splice site. For these reasons, this variant has been classified as Pathogenic.

Natera, Inc.
Classification: Likely pathogenic for Usher syndrome type 2A. Last evaluated: 2025-03-07. Review status: criteria provided, single submitter. Criteria: Natera Variant Classification Schema (03/2026). Collection method: clinical testing. Allele origin: germline.
Comment: The c.5858-1G>A variant in USH2A is a canonical splice acceptor site variant predicted to affect pre-mRNA splicing, which may result in an abnormal transcript and altered protein product. This variant may result in a truncated or dysfunctional protein product. This variant is rare in the general population with a frequency below the threshold expected for the associated phenotype(s). This variant has been observed in one or more individuals affected with the associated recessive disease, as either homozygous or compound heterozygous with a second variant (PMID: 25649381, 3094879). Given the available evidence, this variant is classified as Likely Pathogenic.

SingHealth Duke-NUS Institute of Precision Medicine
Classification: Likely pathogenic for Retinitis pigmentosa 39. Last evaluated: 2025-02-05. Review status: criteria provided, single submitter. Criteria: PRISM ACMG Classification Criteria. Collection method: clinical testing. Allele origin: germline. Affected: yes.
Comment: Variant is predicted to cause nonsense-mediated decay in a gene where LOF is a known cause of pathogenicity (PVS1). Variant is not found in gnomAD genomes and homozygous allele count in gnomAD exomes is less than 0 (PM2).

Baylor Genetics
Classification: Pathogenic for Retinitis pigmentosa 39. Last evaluated: 2023-12-18. Review status: criteria provided, single submitter. Criteria: ACMG Guidelines, 2015. Collection method: clinical testing. Allele origin: unknown.

Genome-Nilou Lab
Classification: Likely pathogenic for Retinitis pigmentosa 39. Last evaluated: 2023-04-11. Review status: criteria provided, single submitter. Criteria: ACMG Guidelines, 2015. Collection method: clinical testing. Allele origin: germline. Affected: no.

Genome-Nilou Lab
Classification: Likely pathogenic for Usher syndrome type 2A. Last evaluated: 2023-04-11. Review status: criteria provided, single submitter. Criteria: ACMG Guidelines, 2015. Collection method: clinical testing. Allele origin: germline. Affected: no.

Revvity Omics, Revvity
Classification: Pathogenic. Last evaluated: 2020-01-30. Review status: criteria provided, single submitter. Criteria: ACMG Guidelines, 2015. Collection method: clinical testing. Allele origin: germline.

Laboratory for Molecular Medicine, Mass General Brigham Personalized Medicine
Classification: Pathogenic for Rare genetic deafness. Last evaluated: 2012-01-18. Review status: criteria provided, single submitter. Criteria: LMM Criteria. Collection method: clinical testing. Allele origin: germline. Inheritance: Autosomal recessive inheritance. Observed: 1 variant allele.
Comment: The 5858-1G>A variant in USH2A has not been reported in the literature nor previ ously identified by our laboratory. However, the 5858-1G>A variant is predicted to cause abnormal splicing because the nucleotide substitution occurs in the inv ariant region of the splice consensus sequence. In summary, this variant meets o ur criteria to be classified as pathogenic.

Counsyl
Classification: Likely pathogenic for Usher syndrome type 2A; Retinitis pigmentosa 39. Last evaluated: 2017-02-16. Review status: no assertion criteria provided. Collection method: clinical testing. Allele origin: unknown. Not counted in ClinVar's aggregate classification.

Literature cited by the submitters: PubMed 25649381 (cited by 4 submitters); PubMed 30948794 (cited by Myriad Genetics, Inc. and Labcorp Genetics (formerly Invitae), Labcorp); PubMed 31106028 (cited by Myriad Genetics, Inc.); PubMed 16199547 (cited by Labcorp Genetics (formerly Invitae), Labcorp); PubMed 10729113 (cited by Labcorp Genetics (formerly Invitae), Labcorp); PubMed 10909849 (cited by Labcorp Genetics (formerly Invitae), Labcorp); PubMed 20507924 (cited by Labcorp Genetics (formerly Invitae), Labcorp); PubMed 3094879 (cited by Natera, Inc.).

NM_206933.4(USH2A):c.5858-1G>A

Gene: USH2A (usherin; minus strand). Cytogenetic location: 1q41.
Variant type: single nucleotide variant.
Coding change: c.5858-1G>A on transcript NM_206933.4 (MANE Select); the canonical splice acceptor site of the intron before coding-DNA position 5858, G replaced by A.
Molecular consequence: splice acceptor variant.
Genome position (GRCh38, 1-based): chr1:216,070,293, C>T on the plus strand (G>A on the coding strand, the complement: USH2A is on the minus strand). VCF-style: chr1-216070293-C-T. GRCh37 (hg19) VCF-style: chr1-216243635-C-T.
Identifiers: ClinVar variation 48545 (VCV000048545.26), dbSNP rs397518023, ClinGen allele CA262110.
Genomic context (GRCh38, chr1:216,070,293, plus strand): 5'-CCTCAATGCTGTATCCATTTAAGCTGCGGACTCTTGAGGGAGTTGGCACACTTTGTGGAG[C>T]TGTGAAGGAATAAAAGAGAAAATAGGGAAAATGGCAGTTCTGAGAAGACTATTGCTCCTA-3'